The following is an entry in ClinVar:

NM_017838.4(NHP2):c.143A>G (p.Tyr48Cys)

Gene: NHP2 (NHP2 ribonucleoprotein; minus strand). Cytogenetic location: 5q35.3.
Variant type: single nucleotide variant.
Coding change: c.143A>G on transcript NM_017838.4 (MANE Select); coding-DNA position 143, A replaced by G.
Protein change: p.Tyr48Cys; replaces tyrosine 48 with cysteine.
Molecular consequence: missense variant.
Genome position (GRCh38, 1-based): chr5:178,153,675, T>C on the plus strand (A>G on the coding strand, the complement: NHP2 is on the minus strand). VCF-style: chr5-178153675-T-C. GRCh37 (hg19) VCF-style: chr5-177580676-T-C.
Other names: c.143A>G, p.Tyr48Cys (NM_001034833.2); short protein forms Y48C.
Identifiers: ClinVar variation 580763 (VCV000580763.12), dbSNP rs200150979, ClinGen allele CA3589279.

ClinVar aggregate classification (germline): Conflicting classifications of pathogenicity. Review status: criteria provided, conflicting classifications (1 of 4 stars). 2 submissions from 2 submitters: Uncertain significance (1); Likely benign (1). Last evaluated 2025-12-22.

Conditions:
Dyskeratosis congenita. Identifiers: Orphanet 1775, MedGen C0265965, MONDO:0015780.

Allele frequency attached by ClinVar (database versions not stated): gnomAD exomes 0.00006 and 0.00018; ExAC 0.00009; TOPMed 0.00012; gnomAD 0.00013.
gnomAD v4.1: 122 of 1,613,882 alleles (0.0076%); highest among the groups gnomAD compares: East Asian, 0.036%; no homozygotes.

Submissions (2):

Labcorp Genetics (formerly Invitae), Labcorp
Classification: Likely benign for Dyskeratosis congenita. Last evaluated: 2025-12-22. Review status: criteria provided, single submitter. Criteria: Invitae Variant Classification Sherloc (09022015). Collection method: clinical testing. Allele origin: germline.

GeneDx
Classification: Uncertain significance. Last evaluated: 2022-06-27. Review status: criteria provided, single submitter. Criteria: GeneDx Variant Classification Process June 2021. Collection method: clinical testing. Allele origin: germline. Affected: yes.
Comment: In silico analysis supports that this missense variant has a deleterious effect on protein structure/function; Has not been previously published as pathogenic or benign to our knowledge